The following is an entry in ClinVar:

NM_015072.5(TTLL5):c.1265C>A (p.Pro422His)

Gene: TTLL5 (tubulin tyrosine ligase like 5; plus strand). Cytogenetic location: 14q24.3.
Variant type: single nucleotide variant.
Coding change: c.1265C>A on transcript NM_015072.5 (MANE Select); coding-DNA position 1265, C replaced by A.
Protein change: p.Pro422His; replaces proline 422 with histidine.
Molecular consequence: missense variant.
Genome position (GRCh38, 1-based): chr14:75,735,273, C>A. VCF-style: chr14-75735273-C-A. GRCh37 (hg19) VCF-style: chr14-76201616-C-A.
Other names: short protein forms P422H.
Identifiers: ClinVar variation 2125989 (VCV002125989.4), dbSNP rs1338062886, ClinGen allele CA390461965.

ClinVar aggregate classification (germline): Uncertain significance (1 of 4 stars; one submission).

gnomAD v4.1: 2 of 1,614,184 alleles (0.00012%); highest among the groups gnomAD compares: Non-Finnish European, 0.00017%; no homozygotes.

Submission:

Labcorp Genetics (formerly Invitae), Labcorp
Classification: Uncertain significance. Last evaluated: 2022-04-13. Review status: criteria provided, single submitter. Criteria: Invitae Variant Classification Sherloc (09022015). Collection method: clinical testing. Allele origin: germline.
Comment: This sequence change replaces proline, which is neutral and non-polar, with histidine, which is basic and polar, at codon 422 of the TTLL5 protein (p.Pro422His). Algorithms developed to predict the effect of missense changes on protein structure and function (SIFT, PolyPhen-2, Align-GVGD) all suggest that this variant is likely to be tolerated. In summary, the available evidence is currently insufficient to determine the role of this variant in disease. Therefore, it has been classified as a Variant of Uncertain Significance. This variant has not been reported in the literature in individuals affected with TTLL5-related conditions. This variant is present in population databases (no rsID available, gnomAD 0.0009%).